The following is an entry in ClinVar:

NM_024921.4(POF1B):c.1408G>C (p.Glu470Gln)

Gene: POF1B (POF1B actin binding protein; minus strand). Cytogenetic location: Xq21.1.
Variant type: single nucleotide variant.
Coding change: c.1408G>C on transcript NM_024921.4 (MANE Select); coding-DNA position 1408, G replaced by C.
Protein change: p.Glu470Gln; replaces glutamic acid 470 with glutamine.
Molecular consequence: missense variant.
Genome position (GRCh38, 1-based): chrX:85,305,820, C>G on the plus strand (G>C on the coding strand, the complement: POF1B is on the minus strand). VCF-style: chrX-85305820-C-G. GRCh37 (hg19) VCF-style: chrX-84560826-C-G.
Other names: c.1408G>C, p.Glu470Gln (NM_001307940.2); short protein forms E470Q.
Identifiers: ClinVar variation 4140853 (VCV004140853.2).
Genomic context (GRCh38, chrX:85,305,820, plus strand): 5'-TGTGTATTTATGCAATGTAGGATCAACATACCCTCAGTCTGCAGATCTCTCTATCTTTCT[C>G]CATTCTCAAGTTTTTTACCATCTCCGTGTAGTGGTTGCCAATCTCATCCATTTTAGCCTG-3'
Protein context (NP_079197.3, residues 460-480): YTEMVKNLRM[Glu470Gln]KDREICRLRS

ClinVar aggregate classification (germline): Conflicting classifications of pathogenicity. Review status: criteria provided, conflicting classifications (1 of 4 stars). 2 submissions from 2 submitters: Uncertain significance (1); Likely benign (1). Last evaluated 2025-06-29.

gnomAD v4.1: 13 of 1,209,554 alleles (0.0011%); highest among the groups gnomAD compares: Non-Finnish European, 0.0013%; no homozygotes.

Submissions (2):

Ambry Genetics
Classification: Uncertain significance. Last evaluated: 2025-06-29. Review status: criteria provided, single submitter. Criteria: Ambry Variant Classification Scheme 2023. Collection method: clinical testing. Allele origin: germline.

GeneDx
Classification: Likely benign. Last evaluated: 2025-04-29. Review status: criteria provided, single submitter. Criteria: GeneDx Variant Classification Process June 2021. Collection method: clinical testing. Allele origin: germline. Affected: yes.
Comment: See Variant Classification Assertion Criteria.